The following is an entry in ClinVar:

ClinVar aggregate classification (germline): Uncertain significance. Review status: criteria provided, multiple submitters, no conflicts (2 of 4 stars). 4 submissions from 4 submitters: Uncertain significance (4). Last evaluated 2024-06-16.

Conditions:
Cardiovascular phenotype. Identifiers: MedGen CN230736.
Arrhythmogenic right ventricular cardiomyopathy (ARVD). Also called: Arrhythmogenic cardiomyopathy; Cardiomyopathy, ARVC; Arrhythmogenic right ventricular dysplasia; Arrhythmogenic Right Ventricular Cardiomyopathy (ARVC). Identifiers: Orphanet 247, MedGen C0349788, MeSH D019571, MONDO:0016587. Disease mechanism: loss of function. Inheritance: Various modes of inheritance.
Cardiomyopathy (CMYO). Also called: Cardiomyopathies. Identifiers: Orphanet 167848, MedGen C0878544, MONDO:0004994, HP:0001638. Inheritance: Various modes of inheritance.
Arrhythmogenic right ventricular dysplasia 9 (ARVD9). Also called: Arrhythmogenic Right Ventricular Dysplasia/Cardiomyopathy 9; ARRHYTHMOGENIC RIGHT VENTRICULAR DYSPLASIA, FAMILIAL, 9. Identifiers: MedGen C1836906, MONDO:0012180, OMIM 609040.

Allele frequency attached by ClinVar (database versions not stated): ExAC 0.00001; gnomAD 0.00001; gnomAD exomes 0.00002 and 0.00006; TOPMed 0.00002.
gnomAD v4.1: 85 of 1,613,536 alleles (0.0053%); highest among the groups gnomAD compares: Admixed American, 0.0083%; no homozygotes.

Submissions (4):

Labcorp Genetics (formerly Invitae), Labcorp
Classification: Uncertain significance for Arrhythmogenic right ventricular dysplasia 9. Last evaluated: 2024-06-16. Review status: criteria provided, single submitter. Criteria: Invitae Variant Classification Sherloc (09022015). Collection method: clinical testing. Allele origin: germline.
Comment: This sequence change replaces threonine, which is neutral and polar, with alanine, which is neutral and non-polar, at codon 521 of the PKP2 protein (p.Thr521Ala). This variant is present in population databases (rs775192286, gnomAD 0.01%). This variant has not been reported in the literature in individuals affected with PKP2-related conditions. ClinVar contains an entry for this variant (Variation ID: 919896). An algorithm developed to predict the effect of missense changes on protein structure and function (PolyPhen-2) suggests that this variant is likely to be tolerated. In summary, the available evidence is currently insufficient to determine the role of this variant in disease. Therefore, it has been classified as a Variant of Uncertain Significance.

All of Us Research Program, National Institutes of Health
Classification: Uncertain significance for Arrhythmogenic right ventricular cardiomyopathy. Last evaluated: 2024-05-30. Review status: criteria provided, single submitter. Criteria: ACMG Guidelines, 2015. Collection method: clinical testing. Allele origin: germline. Inheritance: Autosomal dominant inheritance. Observed: 9 variant alleles, 9 heterozygotes.
Comment: This missense variant replaces threonine with alanine at codon 521 of the PKP2 protein. Computational prediction suggests that this variant may not impact protein structure and function (internally defined REVEL score threshold <= 0.5, PMID: 27666373). To our knowledge, functional studies have not been reported for this variant. This variant has not been reported in individuals affected with cardiovascular disorders in the literature. This variant has been identified in 6/251284 chromosomes in the general population by the Genome Aggregation Database (gnomAD). The available evidence is insufficient to determine the role of this variant in disease conclusively. Therefore, this variant is classified as a Variant of Uncertain Significance.

This study involves interpretation of variants in research participants for the purpose of population health screening. Participant phenotype was not available at the time of variant classification. Additional details can be found in publication PMID: 35346344, PMCID: PMC8962531

Color Diagnostics, LLC DBA Color Health
Classification: Uncertain significance for Cardiomyopathy. Last evaluated: 2024-03-06. Review status: criteria provided, single submitter. Criteria: ACMG Guidelines, 2015. Collection method: clinical testing. Allele origin: germline.
Comment: This missense variant replaces threonine with alanine at codon 521 of the PKP2 protein. Computational prediction suggests that this variant may not impact protein structure and function (internally defined REVEL score threshold <= 0.5, PMID: 27666373). To our knowledge, functional studies have not been reported for this variant. This variant has not been reported in individuals affected with cardiovascular disorders in the literature. This variant has been identified in 6/251284 chromosomes in the general population by the Genome Aggregation Database (gnomAD). The available evidence is insufficient to determine the role of this variant in disease conclusively. Therefore, this variant is classified as a Variant of Uncertain Significance.

Ambry Genetics
Classification: Uncertain significance for Cardiovascular phenotype. Last evaluated: 2023-07-24. Review status: criteria provided, single submitter. Criteria: Ambry Variant Classification Scheme 2023. Collection method: clinical testing. Allele origin: germline.
Comment: The p.T521A variant (also known as c.1561A>G), located in coding exon 7 of the PKP2 gene, results from an A to G substitution at nucleotide position 1561. The threonine at codon 521 is replaced by alanine, an amino acid with similar properties. This amino acid position is conserved. In addition, this alteration is predicted to be tolerated by in silico analysis. Since supporting evidence is limited at this time, the clinical significance of this alteration remains unclear.

NM_001005242.3(PKP2):c.1429A>G (p.Thr477Ala)

Gene: PKP2 (plakophilin 2; minus strand). Cytogenetic location: 12p11.21.
Variant type: single nucleotide variant.
Coding change: c.1429A>G on transcript NM_001005242.3 (MANE Select); coding-DNA position 1429, A replaced by G.
Protein change: p.Thr477Ala; replaces threonine 477 with alanine.
Molecular consequence: missense variant.
Genome position (GRCh38, 1-based): chr12:32,841,155, T>C on the plus strand (A>G on the coding strand, the complement: PKP2 is on the minus strand). VCF-style: chr12-32841155-T-C. GRCh37 (hg19) VCF-style: chr12-32994089-T-C.
Other names: c.1561A>G, p.Thr521Ala (NM_004572.4); short protein forms T477A, T521A.
Identifiers: ClinVar variation 919896 (VCV000919896.16), dbSNP rs775192286, ClinGen allele CA029321.
Genomic context (GRCh38, chr12:32,841,155, plus strand): 5'-CTTCAGGCCACCCAGAAAAGGGGATGATGATATTCTCCGTCAGCGTAAGCAATGCTTCTG[T>C]TATCATGAGATTCTTGAGTTTGTCATTAGATGACAAATTCCACAGCAAACCTAGAAAAGC-3'
Protein context (NP_001005242.2, residues 467-487): SNDKLKNLMI[Thr477Ala]EALLTLTENI